The following is an entry in ClinVar:

ClinVar aggregate classification (germline): Uncertain significance (1 of 4 stars; one submission).

Conditions:
Peroxisome biogenesis disorder 12A (Zellweger). Also called: Peroxisome biogenesis disorder 12A. Identifiers: Orphanet 912, MedGen C3554002, MONDO:0013951, OMIM 614886.

Allele frequency attached by ClinVar (database versions not stated): TOPMed 0.00001.

Submission:

Labcorp Genetics (formerly Invitae), Labcorp
Classification: Uncertain significance for Peroxisome biogenesis disorder 12A (Zellweger). Last evaluated: 2021-10-05. Review status: criteria provided, single submitter. Criteria: Invitae Variant Classification Sherloc (09022015). Collection method: clinical testing. Allele origin: germline.
Comment: This sequence change replaces threonine with alanine at codon 236 of the PEX19 protein (p.Thr236Ala). The threonine residue is moderately conserved and there is a small physicochemical difference between threonine and alanine. This variant is not present in population databases (ExAC no frequency). This variant has not been reported in the literature in individuals affected with PEX19-related conditions. Algorithms developed to predict the effect of missense changes on protein structure and function (SIFT, PolyPhen-2, Align-GVGD) all suggest that this variant is likely to be tolerated. In summary, the available evidence is currently insufficient to determine the role of this variant in disease. Therefore, it has been classified as a Variant of Uncertain Significance.

NM_002857.4(PEX19):c.706A>G (p.Thr236Ala)

Gene: PEX19 (peroxisomal biogenesis factor 19; minus strand). Cytogenetic location: 1q23.2.
Variant type: single nucleotide variant.
Coding change: c.706A>G on transcript NM_002857.4 (MANE Select); coding-DNA position 706, A replaced by G.
Protein change: p.Thr236Ala; replaces threonine 236 with alanine.
Molecular consequence: missense variant. On other transcripts: non-coding transcript variant (2).
Genome position (GRCh38, 1-based): chr1:160,280,135, T>C on the plus strand (A>G on the coding strand, the complement: PEX19 is on the minus strand). VCF-style: chr1-160280135-T-C. GRCh37 (hg19) VCF-style: chr1-160249925-T-C.
Other names: c.706A>G, p.Thr236Ala (NM_001193644.1); short protein forms T236A.
Identifiers: ClinVar variation 1364741 (VCV001364741.5), dbSNP rs1040267504, ClinGen allele CA31523819.
Genomic context (GRCh38, chr1:160,280,135, plus strand): 5'-GCATAAGATCCAGCACCATCTCAAAACGAGCCTTTTGAGTGGTTTCACTGTCTGTGGGGG[T>C]CTCTGCCTCAAACTGCTCACATATTTTGCACATGACGCTGTGCTGCTCCTGATATTTTTC-3'
Protein context (NP_002848.1, residues 226-246): CKICEQFEAE[Thr236Ala]PTDSETTQKA